The following is an entry in ClinVar:

NM_000089.4(COL1A2):c.767G>T (p.Gly256Val)

Gene: COL1A2 (collagen type I alpha 2 chain; plus strand). Cytogenetic location: 7q21.3.
Variant type: single nucleotide variant.
Coding change: c.767G>T on transcript NM_000089.4 (MANE Select); coding-DNA position 767, G replaced by T.
Protein change: p.Gly256Val; replaces glycine 256 with valine.
Molecular consequence: missense variant.
Genome position (GRCh38, 1-based): chr7:94,408,798, G>T. VCF-style: chr7-94408798-G-T. GRCh37 (hg19) VCF-style: chr7-94038110-G-T.
Other names: short protein forms G256V.
Identifiers: ClinVar variation 439504 (VCV000439504.26), dbSNP rs67525025, ClinGen allele CA162918982.

ClinVar aggregate classification (germline): Pathogenic. Review status: criteria provided, multiple submitters, no conflicts (2 of 4 stars). 6 submissions from 6 submitters: Pathogenic (5). 1 of the submissions does not count toward it. Last evaluated 2025-09-10.

Conditions:
Ehlers-Danlos syndrome, classic type, 1 (EDSCL1). Also called: EHLERS-DANLOS SYNDROME, GRAVIS TYPE; EHLERS-DANLOS SYNDROME, SEVERE CLASSIC TYPE; EDS I; Ehlers-Danlos Syndrome, Classic Type, COL5A1-Related; Ehlers-Danlos syndrome, type 1. Identifiers: MedGen C0268335, MONDO:0019567, OMIM 130000.
Osteogenesis imperfecta type I (OI1). Also called: OI, TYPE I; OSTEOGENESIS IMPERFECTA TARDA; OSTEOGENESIS IMPERFECTA WITH BLUE SCLERAE; Classic Non-deforming Osteogenesis Imperfecta with Blue Sclerae; Lobstein disease; Osteogenesis imperfecta type 1. Identifiers: Orphanet 216796, Orphanet 666, MedGen C0023931, MONDO:0008146, OMIM 166200. Disease mechanism: loss of function.
Osteogenesis imperfecta, perinatal lethal (OI2). Also called: OI, TYPE II; OSTEOGENESIS IMPERFECTA CONGENITA; VROLIK TYPE OF OSTEOGENESIS IMPERFECTA; Osteogenesis imperfecta, dominant perinatal lethal; OSTEOGENESIS IMPERFECTA, TYPE II; Osteogenesis imperfecta type 2. Identifiers: Orphanet 216804, MedGen C0268358, MONDO:0008147, OMIM 166210.
Ehlers-Danlos syndrome, arthrochalasia type, 2. Also called: EHLERS-DANLOS SYNDROME, TYPE VIIB, AUTOSOMAL DOMINANT. Identifiers: MedGen CN293783, MONDO:0040501, OMIM 617821.
Osteogenesis imperfecta with normal sclerae, dominant form (OI4). Also called: OSTEOGENESIS IMPERFECTA WITH NORMAL SCLERAE; OSTEOGENESIS IMPERFECTA, TYPE IV, WITH DENTINOGENESIS IMPERFECTA; Common Variable Osteogenesis Imperfecta with Normal Sclerae; Osteogenesis Imperfecta Type IV; Osteogenesis imperfecta type 4. Identifiers: Orphanet 216820, Orphanet 666, MedGen C0268363, MONDO:0008148, OMIM 166220.

Submissions (6):

Genomic Medicine Center of Excellence, King Faisal Specialist Hospital and Research Centre
Classification: Pathogenic for Ehlers-Danlos syndrome, arthrochalasia type, 2. Last evaluated: 2025-09-10. Review status: criteria provided, single submitter. Criteria: ACMG Guidelines, 2015. Collection method: clinical testing. Allele origin: germline.

Clinical Biomedical Laboratory, Shriners Hospital For Children - Canada
Classification: Pathogenic for Osteogenesis imperfecta with normal sclerae, dominant form. Last evaluated: 2025-07-16. Review status: criteria provided, single submitter. Criteria: ACMG Guidelines, 2015. Collection method: clinical testing. Allele origin: germline. Affected: yes.
Comment: This variant is predicted to substitute a glycine residue by a valine residue in the triple helical domain of collagen type I alpha 2 chain. Glycine substitutions in the triple helical domain of collagen type I cause disruption in the formation of the triple helix in the collagen molecule and are a typical cause of osteogenesis imperfecta. In the Genome Aggregation Database (v2.1.1) this variant is not present. Prediction tools (REVEL: 0.98) suggest that the change is damaging to protein function. This variant has been reported in the literature (PMID 17078022) We have not observed this variant in the Shriners Hospital for Children variant database.

Labcorp Genetics (formerly Invitae), Labcorp
Classification: Pathogenic for Osteogenesis imperfecta type I; Ehlers-Danlos syndrome, classic type, 1. Last evaluated: 2025-07-02. Review status: criteria provided, single submitter. Criteria: Invitae Variant Classification Sherloc (09022015). Collection method: clinical testing. Allele origin: germline.
Comment: This sequence change replaces glycine, which is neutral and non-polar, with valine, which is neutral and non-polar, at codon 256 of the COL1A2 protein (p.Gly256Val). This variant is not present in population databases (gnomAD no frequency). This missense change has been observed in individuals with osteogenesis imperfecta type IV (PMID: 16786509, 17078022). ClinVar contains an entry for this variant (Variation ID: 439504). Invitae Evidence Modeling of protein sequence and biophysical properties (such as structural, functional, and spatial information, amino acid conservation, physicochemical variation, residue mobility, and thermodynamic stability) indicates that this missense variant is expected to disrupt COL1A2 protein function with a positive predictive value of 95%. This variant disrupts the triple helix domain of COL1A2. Glycine residues within the Gly-Xaa-Yaa repeats of the triple helix domain are required for the structure and stability of fibrillar collagens (PMID: 7695699, 8218237, 19344236). In COL1A2, variants affecting these glycine residues are significantly enriched in individuals with disease (PMID: 9016532, 17078022) compared to the general population (ExAC). For these reasons, this variant has been classified as Pathogenic.

GeneDx
Classification: Pathogenic. Last evaluated: 2021-12-16. Review status: criteria provided, single submitter. Criteria: GeneDx Variant Classification Process June 2021. Collection method: clinical testing. Allele origin: germline. Affected: yes.
Comment: Occurs in the triple helical domain and replaces the glycine in the canonical Gly-X-Y repeat; missense substitution of a canonical glycine residue is expected to disrupt normal protein folding and function, and this is an established mechanism of disease (Stenson et al, 2014); In silico analysis supports that this missense variant has a deleterious effect on protein structure/function; Not observed at significant frequency in large population cohorts (Lek et al., 2016); This variant is associated with the following publications: (PMID: 17078022, 16786509)

ARUP Laboratories, Molecular Genetics and Genomics, ARUP Laboratories
Classification: Pathogenic. Last evaluated: 2017-09-14. Review status: criteria provided, single submitter. Criteria: ARUP Molecular Germline Variant Investigation Process. Collection method: clinical testing. Allele origin: germline.
Comment: The p.Gly256Val variant alters a glycine in triple helix repeat domain of COL1A2 and the majority of osteogenesis imperfecta (OI) associated collagen variants occur at a glycine residue within this region. The p.Gly256Val variant has been reported twice in literature in association with OI type IV (Pollitt 2006 and Marini 2007).The p.Gly256Val variant absent from general population databases such as 1000 Genomes, NHLBI GO Exome Sequencing Project (ESP), and the Exome Aggregation Consortium (ExAC) browser. Altogether, the p.Gly256Val variant has been classified as pathogenic

Genomics England Pilot Project, Genomics England
Classification: Likely pathogenic for Osteogenesis imperfecta, perinatal lethal. Review status: no assertion criteria provided. Criteria: ACGS Guidelines, 2016. Collection method: clinical testing. Allele origin: germline. Affected: yes. Not counted in ClinVar's aggregate classification.

Literature cited by the submitters: PubMed 17078022 (cited by Clinical Biomedical Laboratory, Shriners Hospital For Children - Canada and Labcorp Genetics (formerly Invitae), Labcorp); PubMed 16786509 (cited by Labcorp Genetics (formerly Invitae), Labcorp); PubMed 7695699 (cited by Labcorp Genetics (formerly Invitae), Labcorp); PubMed 8218237 (cited by Labcorp Genetics (formerly Invitae), Labcorp); PubMed 19344236 (cited by Labcorp Genetics (formerly Invitae), Labcorp); PubMed 9016532 (cited by Labcorp Genetics (formerly Invitae), Labcorp).